The following is an entry in ClinVar:

NM_025009.5(CEP135):c.387A>T (p.Lys129Asn)

Gene: CEP135 (centrosomal protein 135; plus strand). Cytogenetic location: 4q12.
Variant type: single nucleotide variant.
Coding change: c.387A>T on transcript NM_025009.5 (MANE Select); coding-DNA position 387, A replaced by T.
Protein change: p.Lys129Asn; replaces lysine 129 with asparagine.
Molecular consequence: missense variant.
Genome position (GRCh38, 1-based): chr4:55,954,298, A>T. VCF-style: chr4-55954298-A-T. GRCh37 (hg19) VCF-style: chr4-56820464-A-T.
Other names: short protein forms K129N.
Identifiers: ClinVar variation 1381258 (VCV001381258.6), dbSNP rs2109640930, ClinGen allele CA356967756.

ClinVar aggregate classification (germline): Uncertain significance (1 of 4 stars; one submission).

Submission:

Labcorp Genetics (formerly Invitae), Labcorp
Classification: Uncertain significance. Last evaluated: 2021-09-21. Review status: criteria provided, single submitter. Criteria: Invitae Variant Classification Sherloc (09022015). Collection method: clinical testing. Allele origin: germline.
Comment: This sequence change replaces lysine with asparagine at codon 129 of the CEP135 protein (p.Lys129Asn). The lysine residue is weakly conserved and there is a moderate physicochemical difference between lysine and asparagine. This variant is not present in population databases (ExAC no frequency). In summary, the available evidence is currently insufficient to determine the role of this variant in disease. Therefore, it has been classified as a Variant of Uncertain Significance. Algorithms developed to predict the effect of missense changes on protein structure and function are either unavailable or do not agree on the potential impact of this missense change (SIFT: "Tolerated"; PolyPhen-2: "Possibly Damaging"; Align-GVGD: "Class C0"). This variant has not been reported in the literature in individuals affected with CEP135-related conditions.